The following is an entry in ClinVar:

NM_000038.6(APC):c.237C>T (p.Ser79=)

Gene: APC (APC regulator of Wnt signaling pathway; plus strand). Cytogenetic location: 5q22.2.
Variant type: single nucleotide variant.
Coding change: c.237C>T on transcript NM_000038.6 (MANE Select); coding-DNA position 237, C replaced by T.
Protein change: p.Ser79=; no amino-acid change (serine 79 retained).
Molecular consequence: synonymous variant. On other transcripts: 5 prime UTR variant (4), non-coding transcript variant (2).
Genome position (GRCh38, 1-based): chr5:112,767,205, C>T. VCF-style: chr5-112767205-C-T. GRCh37 (hg19) VCF-style: chr5-112102902-C-T.
Other names: c.237C>T, p.Ser79= (NM_001127510.3, NM_001354895.2, NM_001354896.2 and 16 more transcripts); c.267C>T, p.Ser89= (NM_001127511.3, NM_001354897.2, NM_001354902.2 and 1 more transcripts); c.162C>T, p.Ser54= (NM_001354898.2, NM_001354904.2, NM_001407451.1); c.60C>T, p.Ser20= (NM_001354900.2, NM_001354901.2, NM_001354905.2 and 1 more transcripts); c.-799C>T (NM_001354906.2, NM_001407470.1, NM_001407471.1 and 1 more transcripts).
Identifiers: ClinVar variation 3148023 (VCV003148023.1), dbSNP rs2149787640, ClinGen allele CA445753092.
Genomic context (GRCh38, chr5:112,767,205, plus strand): 5'-CTTAAAGCAATTGTTGTATAAAAACTTGTTTCTATTTTATTTAGAGCTTAACTTAGATAG[C>T]AGTAATTTCCCTGGAGTAAAACTGCGGTCAAAAATGTCCCTCCGTTCTTATGGAAGCCGG-3'
Protein context (NP_000029.2, residues 69-89): LERLKELNLD[Ser79=]SNFPGVKLRS

ClinVar aggregate classification (germline): Benign (1 of 4 stars; one submission).

Conditions:
Familial adenomatous polyposis 1 (FAP1). Also called: POLYPOSIS, ADENOMATOUS INTESTINAL; FAMILIAL ADENOMATOUS POLYPOSIS 1, ATTENUATED. Identifiers: MedGen C2713442, MONDO:0021056, OMIM 175100. Disease mechanism: loss of function.

Submission:

Myriad Genetics, Inc.
Classification: Benign for Familial adenomatous polyposis 1. Last evaluated: 2024-02-22. Review status: criteria provided, single submitter. Criteria: Myriad Autosomal Dominant, Autosomal Recessive and X-Linked Classification Criteria (2023). Collection method: clinical testing. Allele origin: unknown.
Comment: This variant is considered benign. This variant is a silent/synonymous amino acid change and it is not expected to impact splicing.